The following is an entry in ClinVar:

NM_003128.3(SPTBN1):c.567-6T>C

Gene: SPTBN1 (spectrin beta, non-erythrocytic 1; plus strand). Cytogenetic location: 2p16.2.
Variant type: single nucleotide variant.
Coding change: c.567-6T>C on transcript NM_003128.3 (MANE Select); 6 bases into the intron before coding-DNA position 567, T replaced by C.
Molecular consequence: intron variant.
Genome position (GRCh38, 1-based): chr2:54,617,602, T>C. VCF-style: chr2-54617602-T-C. GRCh37 (hg19) VCF-style: chr2-54844739-T-C.
Other names: c.528-6T>C (NM_178313.3).
Identifiers: ClinVar variation 4632129 (VCV004632129.1).

ClinVar aggregate classification (germline): Uncertain significance (1 of 4 stars; one submission).

Conditions:
Inborn genetic diseases. Identifiers: MedGen C0950123, MeSH D030342.

gnomAD v4.1: 4 of 1,613,986 alleles (0.00025%); highest among the groups gnomAD compares: African/African-American, 0.0053%; no homozygotes.

Submission:

Ambry Genetics
Classification: Uncertain significance for Inborn genetic diseases. Last evaluated: 2025-11-04. Review status: criteria provided, single submitter. Criteria: Ambry Variant Classification Scheme 2023. Collection method: clinical testing. Allele origin: germline.
Comment: The c.567-6T>C intronic alteration consists of a T to C substitution 6 nucleotides before coding exon 5 in the SPTBN1 gene. Based on data from gnomAD, the C allele has an overall frequency of 0.001% (4/282620) total alleles studied. The highest observed frequency was 0.016% (4/24966) of African alleles. Based on insufficient or conflicting evidence, the clinical significance of this alteration remains unclear.